The following is an entry in ClinVar:

ClinVar aggregate classification (germline): Uncertain significance (1 of 4 stars; one submission).

Allele frequency attached by ClinVar (database versions not stated): TOPMed 0.00004; ExAC 0.00006; gnomAD 0.00006; 1000 Genomes Project 30x 0.00031; 1000 Genomes Project 0.00040.
gnomAD v4.1: 53 of 1,612,166 alleles (0.0033%); highest among the groups gnomAD compares: East Asian, 0.016%; no homozygotes.

Submission:

Labcorp Genetics (formerly Invitae), Labcorp
Classification: Uncertain significance. Last evaluated: 2022-09-26. Review status: criteria provided, single submitter. Criteria: Invitae Variant Classification Sherloc (09022015). Collection method: clinical testing. Allele origin: germline.
Comment: This sequence change replaces alanine, which is neutral and non-polar, with threonine, which is neutral and polar, at codon 1245 of the SI protein (p.Ala1245Thr). This variant is present in population databases (rs544884997, gnomAD 0.06%). This variant has not been reported in the literature in individuals affected with SI-related conditions. Algorithms developed to predict the effect of missense changes on protein structure and function (SIFT, PolyPhen-2, Align-GVGD) all suggest that this variant is likely to be tolerated. In summary, the available evidence is currently insufficient to determine the role of this variant in disease. Therefore, it has been classified as a Variant of Uncertain Significance.

NM_001041.4(SI):c.3733G>A (p.Ala1245Thr)

Gene: SI (sucrase-isomaltase; minus strand). Cytogenetic location: 3q26.1.
Variant type: single nucleotide variant.
Coding change: c.3733G>A on transcript NM_001041.4 (MANE Select); coding-DNA position 3733, G replaced by A.
Protein change: p.Ala1245Thr; replaces alanine 1245 with threonine.
Molecular consequence: missense variant.
Genome position (GRCh38, 1-based): chr3:165,017,574, C>T on the plus strand (G>A on the coding strand, the complement: SI is on the minus strand). VCF-style: chr3-165017574-C-T. GRCh37 (hg19) VCF-style: chr3-164735362-C-T.
Other names: short protein forms A1245T.
Identifiers: ClinVar variation 1908011 (VCV001908011.2), dbSNP rs544884997, ClinGen allele CA2690159.